The following is an entry in ClinVar:

NM_004304.5(ALK):c.823G>C (p.Glu275Gln)

Gene: ALK (ALK receptor tyrosine kinase; minus strand). Cytogenetic location: 2p23.2.
Variant type: single nucleotide variant.
Coding change: c.823G>C on transcript NM_004304.5 (MANE Select); coding-DNA position 823, G replaced by C.
Protein change: p.Glu275Gln; replaces glutamic acid 275 with glutamine.
Molecular consequence: missense variant.
Genome position (GRCh38, 1-based): chr2:29,694,979, C>G on the plus strand (G>C on the coding strand, the complement: ALK is on the minus strand). VCF-style: chr2-29694979-C-G. GRCh37 (hg19) VCF-style: chr2-29917845-C-G.
Other names: short protein forms E275Q.
Identifiers: ClinVar variation 2161533 (VCV002161533.4), dbSNP rs2148289974, ClinGen allele CA346587071.

ClinVar aggregate classification (germline): Uncertain significance (1 of 4 stars; one submission).

Conditions:
Neuroblastoma, susceptibility to, 3. Also called: ALK-Related Neuroblastic Tumor Susceptibility. Identifiers: Orphanet 635, MedGen C2751681, MONDO:0013083, OMIM 613014.

Allele frequency attached by ClinVar (database versions not stated): gnomAD exomes below 0.00001.
gnomAD v4.1: 1 of 1,614,068 alleles (0.000062%); highest among the groups gnomAD compares: Non-Finnish European, 0.000085%; no homozygotes.

Submission:

Labcorp Genetics (formerly Invitae), Labcorp
Classification: Uncertain significance for Neuroblastoma, susceptibility to, 3. Last evaluated: 2023-03-23. Review status: criteria provided, single submitter. Criteria: Invitae Variant Classification Sherloc (09022015). Collection method: clinical testing. Allele origin: germline.
Comment: In summary, the available evidence is currently insufficient to determine the role of this variant in disease. Therefore, it has been classified as a Variant of Uncertain Significance. An algorithm developed to predict the effect of missense changes on protein structure and function (PolyPhen-2) suggests that this variant is likely to be disruptive. ClinVar contains an entry for this variant (Variation ID: 2161533). This variant has not been reported in the literature in individuals affected with ALK-related conditions. This variant is not present in population databases (gnomAD no frequency). This sequence change replaces glutamic acid, which is acidic and polar, with glutamine, which is neutral and polar, at codon 275 of the ALK protein (p.Glu275Gln).